The following is an entry in ClinVar:

NM_000170.3(GLDC):c.2315+1G>T

Gene: GLDC (glycine decarboxylase; minus strand). Cytogenetic location: 9p24.1.
Variant type: single nucleotide variant.
Coding change: c.2315+1G>T on transcript NM_000170.3 (MANE Select); the canonical splice donor site of the intron after coding-DNA position 2315, G replaced by T.
Molecular consequence: splice donor variant.
Genome position (GRCh38, 1-based): chr9:6,554,668, C>A on the plus strand (G>T on the coding strand, the complement: GLDC is on the minus strand). VCF-style: chr9-6554668-C-A. GRCh37 (hg19) VCF-style: chr9-6554668-C-A.
Identifiers: ClinVar variation 839736 (VCV000839736.10), dbSNP rs1252460597, ClinGen allele CA372879948.

ClinVar aggregate classification (germline): Pathogenic (1 of 4 stars; one submission).

Conditions:
Glycine encephalopathy. Also called: Nonketotic hyperglycinemia; Non-ketotic hyperglycinemia. Identifiers: Orphanet 407, MedGen C0751748, MONDO:0011612, HP:0008288.

Allele frequency attached by ClinVar (database versions not stated): TOPMed below 0.00001; gnomAD 0.00001.
gnomAD v4.1: 1 of 1,603,658 alleles (0.000062%); highest among the groups gnomAD compares: African/African-American, 0.0013%; no homozygotes.

Submission:

Labcorp Genetics (formerly Invitae), Labcorp
Classification: Pathogenic for Glycine encephalopathy. Last evaluated: 2024-03-18. Review status: criteria provided, single submitter. Criteria: Invitae Variant Classification Sherloc (09022015). Collection method: clinical testing. Allele origin: germline.
Comment: This sequence change affects a donor splice site in intron 19 of the GLDC gene. It is expected to disrupt RNA splicing. Variants that disrupt the donor or acceptor splice site typically lead to a loss of protein function (PMID: 16199547), and loss-of-function variants in GLDC are known to be pathogenic (PMID: 16601880). This variant is not present in population databases (gnomAD no frequency). Disruption of this splice site has been observed in individual(s) with glycine encephalopathy (PMID: 27362913). ClinVar contains an entry for this variant (Variation ID: 839736). Algorithms developed to predict the effect of sequence changes on RNA splicing suggest that this variant may disrupt the consensus splice site. For these reasons, this variant has been classified as Pathogenic.

Literature cited by the submitters: PubMed 16199547; PubMed 16601880; PubMed 27362913.